The following is an entry in ClinVar:

NM_000540.3(RYR1):c.3381C>T (p.Arg1127=)

Gene: RYR1 (ryanodine receptor 1; plus strand). Cytogenetic location: 19q13.2.
Variant type: single nucleotide variant.
Coding change: c.3381C>T on transcript NM_000540.3 (MANE Select); coding-DNA position 3381, C replaced by T.
Protein change: p.Arg1127=; no amino-acid change (arginine 1127 retained).
Molecular consequence: synonymous variant.
Genome position (GRCh38, 1-based): chr19:38,467,812, C>T. VCF-style: chr19-38467812-C-T. GRCh37 (hg19) VCF-style: chr19-38958452-C-T.
Other names: c.3381C>T, p.Arg1127= (NM_001042723.2).
Identifiers: ClinVar variation 256491 (VCV000256491.48), dbSNP rs200780880, ClinGen allele CA064758.
Genomic context (GRCh38, chr19:38,467,812, plus strand): 5'-GCTGAGGCCTGATGTAGAGCTGGGAGCTGACGAGCTGGCCTATGTCTTCAATGGGCACCG[C>T]GTGGGTACCTCCCTGGGCACCATTCTGCCAGGTCCTGTGGTCTCTCCCACAGCTTGTCTA-3'
Protein context (NP_000531.2, residues 1117-1137): DELAYVFNGH[Arg1127=]GQRWHLGSEP

ClinVar aggregate classification (germline): Conflicting classifications of pathogenicity. Review status: criteria provided, conflicting classifications (1 of 4 stars). 7 submissions from 7 submitters: Uncertain significance (3); Likely benign (4). Last evaluated 2025-04-01.

Conditions:
RYR1-related disorder. Also called: RYR1-related disorders; RYR1-related condition. Identifiers: MedGen CN239331.
Malignant hyperthermia, susceptibility to, 1 (MHS1). Also called: Anesthesia related hyperthermia; Malignant hyperpyrexia; Fulminating hyperpyrexia; Pharmacogenic myopathy; RYR1-Related Malignant Hyperthermia Susceptibility; Malignant hyperthermia suceptibility 1. Identifiers: Orphanet 423, MedGen C2930980, MONDO:0007783, OMIM 145600.

Allele frequency attached by ClinVar (database versions not stated): gnomAD exomes 0.00011 and 0.00026; ExAC 0.00021; gnomAD 0.00028 and 0.00029; 1000 Genomes Project 0.00040; TOPMed 0.00043; 1000 Genomes Project 30x 0.00047.
gnomAD v4.1: 219 of 1,613,826 alleles (0.014%); highest among the groups gnomAD compares: Middle Eastern, 0.067%; 1 homozygote.

Submissions (7):

CeGaT Center for Human Genetics Tuebingen
Classification: Likely benign. Last evaluated: 2025-04-01. Review status: criteria provided, single submitter. Criteria: CeGaT Center For Human Genetics Tuebingen Variant Classification Criteria Version 2. Collection method: clinical testing. Allele origin: germline. Affected: yes. Observed: 8 variant alleles.
Comment: RYR1: BP4, BP7

Labcorp Genetics (formerly Invitae), Labcorp
Classification: Uncertain significance for RYR1-related disorder. Last evaluated: 2024-12-22. Review status: criteria provided, single submitter. Criteria: Invitae Variant Classification Sherloc (09022015). Collection method: clinical testing. Allele origin: germline.
Comment: This sequence change affects codon 1127 of the RYR1 mRNA. It is a 'silent' change, meaning that it does not change the encoded amino acid sequence of the RYR1 protein. It affects a nucleotide within the consensus splice site. This variant is present in population databases (rs200780880, gnomAD 0.06%). This variant has not been reported in the literature in individuals affected with RYR1-related conditions. ClinVar contains an entry for this variant (Variation ID: 256491). Algorithms developed to predict the effect of sequence changes on RNA splicing suggest that this variant is not likely to affect RNA splicing. In summary, the available evidence is currently insufficient to determine the role of this variant in disease. Therefore, it has been classified as a Variant of Uncertain Significance.

Blueprint Genetics
Classification: Likely benign. Last evaluated: 2024-10-14. Review status: criteria provided, single submitter. Criteria: ACMG Guidelines, 2015. Collection method: clinical testing. Allele origin: germline.

Color Diagnostics, LLC DBA Color Health
Classification: Likely benign for Malignant hyperthermia, susceptibility to, 1. Last evaluated: 2022-10-20. Review status: criteria provided, single submitter. Criteria: ACMG Guidelines, 2015. Collection method: clinical testing. Allele origin: germline.

GeneDx
Classification: Uncertain significance. Last evaluated: 2021-05-28. Review status: criteria provided, single submitter. Criteria: GeneDx Variant Classification Process June 2021. Collection method: clinical testing. Allele origin: germline. Affected: yes.
Comment: Has not been previously published as pathogenic or benign to our knowledge; In-silico analysis, which includes splice predictors and evolutionary conservation, is inconclusive as to whether the variant alters gene splicing. In the absence of RNA/functional studies, the actual effect of this sequence change is unknown.; This variant is associated with the following publications: (PMID: 27535533)

Eurofins Ntd Llc (ga)
Classification: Uncertain significance. Last evaluated: 2016-01-08. Review status: criteria provided, single submitter. Criteria: EGL Classification Definitions 2015. Collection method: clinical testing. Allele origin: germline. Observed: 1 variant allele, 1 heterozygote.

PreventionGenetics, part of Exact Sciences
Classification: Likely benign. Review status: criteria provided, single submitter. Criteria: ACMG Guidelines, 2015. Collection method: clinical testing. Allele origin: germline.